The following is an entry in ClinVar:

ClinVar aggregate classification (germline): Conflicting classifications of pathogenicity. Review status: criteria provided, conflicting classifications (1 of 4 stars). 3 submissions from 3 submitters: Uncertain significance (2); Benign (1). Last evaluated 2026-01-26.

Conditions:
Genitopatellar syndrome (GTPTS). Also called: ABSENT PATELLAE, SCROTAL HYPOPLASIA, RENAL ANOMALIES, FACIAL DYSMORPHISM, AND MENTAL RETARDATION; Genitopatellar syndrome (GPS). Identifiers: Orphanet 85201, MedGen C1853566, MONDO:0011640, OMIM 606170.

Allele frequency attached by ClinVar (database versions not stated): gnomAD exomes below 0.00001; gnomAD 0.00001; TOPMed 0.00001.
gnomAD v4.1: 41 of 1,614,072 alleles (0.0025%); highest among the groups gnomAD compares: East Asian, 0.0045%; no homozygotes.

Submissions (3):

Labcorp Genetics (formerly Invitae), Labcorp
Classification: Benign for Genitopatellar syndrome. Last evaluated: 2026-01-26. Review status: criteria provided, single submitter. Criteria: Invitae Variant Classification Sherloc (09022015). Collection method: clinical testing. Allele origin: germline.

Women's Health and Genetics/Laboratory Corporation of America, LabCorp
Classification: Uncertain significance. Last evaluated: 2024-10-08. Review status: criteria provided, single submitter. Criteria: LabCorp Variant Classification Summary - May 2015. Collection method: clinical testing. Allele origin: germline.
Comment: Variant summary: KAT6B c.1387C>T (p.Arg463Cys) results in a non-conservative amino acid change in the encoded protein sequence. Four of five in-silico tools predict a damaging effect of the variant on protein function. The variant allele was found at a frequency of 4e-06 in 251310 control chromosomes. The available data on variant occurrences in the general population are insufficient to allow any conclusion about variant significance. To our knowledge, no occurrence of c.1387C>T in individuals affected with KAT6B-Related Spectrum Disorders and no experimental evidence demonstrating its impact on protein function have been reported. ClinVar contains an entry for this variant (Variation ID: 497974). Based on the evidence outlined above, the variant was classified as uncertain significance.

Eurofins Ntd Llc (ga)
Classification: Uncertain significance. Last evaluated: 2016-10-18. Review status: criteria provided, single submitter. Criteria: EGL Classification Definitions 2015. Collection method: clinical testing. Allele origin: germline. Observed: 1 variant allele, 1 heterozygote.

NM_012330.4(KAT6B):c.1387C>T (p.Arg463Cys)

Gene: KAT6B (lysine acetyltransferase 6B; plus strand). Cytogenetic location: 10q22.2.
Variant type: single nucleotide variant.
Coding change: c.1387C>T on transcript NM_012330.4 (MANE Select); coding-DNA position 1387, C replaced by T.
Protein change: p.Arg463Cys; replaces arginine 463 with cysteine.
Molecular consequence: missense variant. On other transcripts: intron variant (11).
Genome position (GRCh38, 1-based): chr10:74,975,724, C>T. VCF-style: chr10-74975724-C-T. GRCh37 (hg19) VCF-style: chr10-76735482-C-T.
Other names: c.1387C>T, p.Arg463Cys (NM_001256468.2, NM_001370136.1, NM_001370137.1 and 1 more transcripts); c.1117+270C>T (NM_001370139.1, NM_001370140.1, NM_001370141.1 and 3 more transcripts); c.846+5949C>T (NM_001370133.1); c.193-3500C>T (NM_001370134.1); c.929-1592C>T (NM_001370143.1, NM_001370144.1); c.193-13295C>T (NM_001370135.1); short protein forms R463C.
Identifiers: ClinVar variation 497974 (VCV000497974.9), dbSNP rs1222902525, ClinGen allele CA377286153.